The following is an entry in ClinVar:

NM_022095.4(ZNF335):c.380C>T (p.Ser127Leu)

Gene: ZNF335 (zinc finger protein 335; minus strand). Cytogenetic location: 20q13.12.
Variant type: single nucleotide variant.
Coding change: c.380C>T on transcript NM_022095.4 (MANE Select); coding-DNA position 380, C replaced by T.
Protein change: p.Ser127Leu; replaces serine 127 with leucine.
Molecular consequence: missense variant.
Genome position (GRCh38, 1-based): chr20:45,969,513, G>A on the plus strand (C>T on the coding strand, the complement: ZNF335 is on the minus strand). VCF-style: chr20-45969513-G-A. GRCh37 (hg19) VCF-style: chr20-44598152-G-A.
Other names: short protein forms S127L.
Identifiers: ClinVar variation 1953127 (VCV001953127.5), dbSNP rs548671247, ClinGen allele CA9886121.

ClinVar aggregate classification (germline): Uncertain significance (1 of 4 stars; one submission).

Allele frequency attached by ClinVar (database versions not stated): gnomAD 0.00001; TOPMed 0.00002; ExAC 0.00007; 1000 Genomes Project 30x 0.00016; 1000 Genomes Project 0.00020.
gnomAD v4.1: 39 of 1,581,878 alleles (0.0025%); highest among the groups gnomAD compares: South Asian, 0.04%; no homozygotes.

Submission:

Labcorp Genetics (formerly Invitae), Labcorp
Classification: Uncertain significance. Last evaluated: 2021-12-24. Review status: criteria provided, single submitter. Criteria: Invitae Variant Classification Sherloc (09022015). Collection method: clinical testing. Allele origin: germline.
Comment: In summary, the available evidence is currently insufficient to determine the role of this variant in disease. Therefore, it has been classified as a Variant of Uncertain Significance. Algorithms developed to predict the effect of missense changes on protein structure and function are either unavailable or do not agree on the potential impact of this missense change (SIFT: "Deleterious"; PolyPhen-2: "Probably Damaging"; Align-GVGD: "Class C0"). This variant has not been reported in the literature in individuals affected with ZNF335-related conditions. This variant is present in population databases (rs548671247, gnomAD 0.05%). This sequence change replaces serine, which is neutral and polar, with leucine, which is neutral and non-polar, at codon 127 of the ZNF335 protein (p.Ser127Leu).